The following is an entry in ClinVar:

NM_001035.3(RYR2):c.11181G>T (p.Gln3727His)

Gene: RYR2 (ryanodine receptor 2; plus strand). Cytogenetic location: 1q43.
Variant type: single nucleotide variant.
Coding change: c.11181G>T on transcript NM_001035.3 (MANE Select); coding-DNA position 11181, G replaced by T.
Protein change: p.Gln3727His; replaces glutamine 3727 with histidine.
Molecular consequence: missense variant.
Genome position (GRCh38, 1-based): chr1:237,756,323, G>T. VCF-style: chr1-237756323-G-T. GRCh37 (hg19) VCF-style: chr1-237919623-G-T.
Other names: short protein forms Q3727H.
Identifiers: ClinVar variation 1064061 (VCV001064061.14), dbSNP rs773884612, ClinGen allele CA345425829.

ClinVar aggregate classification (germline): Uncertain significance. Review status: criteria provided, multiple submitters, no conflicts (2 of 4 stars). 3 submissions from 3 submitters: Uncertain significance (3). Last evaluated 2025-03-25.

Conditions:
Catecholaminergic polymorphic ventricular tachycardia (CVPT). Also called: Catecholamine-induced polymorphic ventricular tachycardia. Identifiers: Orphanet 3286, MedGen C5574922, MONDO:0017990.
Cardiomyopathy (CMYO). Also called: Cardiomyopathies. Identifiers: Orphanet 167848, MedGen C0878544, MONDO:0004994, HP:0001638. Inheritance: Various modes of inheritance.
Catecholaminergic polymorphic ventricular tachycardia 1. Also called: VENTRICULAR TACHYCARDIA, CATECHOLAMINERGIC POLYMORPHIC, 1, WITH OR WITHOUT ATRIAL DYSFUNCTION AND/OR DILATED CARDIOMYOPATHY; RYR2-Related Catecholaminergic Polymorphic Ventricular Tachycardia; VENTRICULAR TACHYCARDIA, STRESS-INDUCED POLYMORPHIC 1. Identifiers: Orphanet 3286, MedGen C1631597, MONDO:0011484, OMIM 604772.

Allele frequency attached by ClinVar (database versions not stated): gnomAD 0.00001.
gnomAD v4.1: 3 of 1,613,436 alleles (0.00019%); highest among the groups gnomAD compares: Non-Finnish European, 0.00025%; no homozygotes.

Submissions (3):

Labcorp Genetics (formerly Invitae), Labcorp
Classification: Uncertain significance for Catecholaminergic polymorphic ventricular tachycardia 1. Last evaluated: 2025-03-25. Review status: criteria provided, single submitter. Criteria: Invitae Variant Classification Sherloc (09022015). Collection method: clinical testing. Allele origin: germline.
Comment: This sequence change replaces glutamine, which is neutral and polar, with histidine, which is basic and polar, at codon 3727 of the RYR2 protein (p.Gln3727His). This variant is not present in population databases (gnomAD no frequency). This variant has not been reported in the literature in individuals affected with RYR2-related conditions. ClinVar contains an entry for this variant (Variation ID: 1064061). Invitae Evidence Modeling of protein sequence and biophysical properties (such as structural, functional, and spatial information, amino acid conservation, physicochemical variation, residue mobility, and thermodynamic stability) indicates that this missense variant is not expected to disrupt RYR2 protein function with a negative predictive value of 95%. In summary, the available evidence is currently insufficient to determine the role of this variant in disease. Therefore, it has been classified as a Variant of Uncertain Significance.

Color Diagnostics, LLC DBA Color Health
Classification: Uncertain significance for Cardiomyopathy. Last evaluated: 2024-03-06. Review status: criteria provided, single submitter. Criteria: ACMG Guidelines, 2015. Collection method: clinical testing. Allele origin: germline.
Comment: This missense variant replaces glutamine with histidine at codon 3727 of the RYR2 protein. Computational prediction is inconclusive regarding the impact of this variant on protein structure and function (internally defined REVEL score threshold 0.5 < inconclusive < 0.7, PMID: 27666373). To our knowledge, functional studies have not been reported for this variant. This variant has not been reported in individuals affected with cardiovascular disorders in the literature. This variant has not been identified in the general population by the Genome Aggregation Database (gnomAD). The available evidence is insufficient to determine the role of this variant in disease conclusively. Therefore, this variant is classified as a Variant of Uncertain Significance.

All of Us Research Program, National Institutes of Health
Classification: Uncertain significance for Catecholaminergic polymorphic ventricular tachycardia. Last evaluated: 2023-10-02. Review status: criteria provided, single submitter. Criteria: ACMG Guidelines, 2015. Collection method: clinical testing. Allele origin: germline. Inheritance: Autosomal dominant inheritance. Observed: 2 variant alleles, 2 heterozygotes.
Comment: This missense variant replaces glutamine with histidine at codon 3727 of the RYR2 protein. Computational prediction is inconclusive regarding the impact of this variant on protein structure and function (internally defined REVEL score threshold 0.5 < inconclusive < 0.7, PMID: 27666373). To our knowledge, functional studies have not been reported for this variant. This variant has not been reported in individuals affected with cardiovascular disorders in the literature. This variant has not been identified in the general population by the Genome Aggregation Database (gnomAD). The available evidence is insufficient to determine the role of this variant in disease conclusively. Therefore, this variant is classified as a Variant of Uncertain Significance.

This study involves interpretation of variants in research participants for the purpose of population health screening. Participant phenotype was not available at the time of variant classification. Additional details can be found in publication PMID: 35346344, PMCID: PMC8962531